The following is an entry in ClinVar:

ClinVar aggregate classification (germline): Uncertain significance (1 of 4 stars; one submission).

Conditions:
Isolated microphthalmia 5. Also called: Posterior Microphthalmia with Retinitis Pigmentosa, Foveoschisis, and Optic Disc Drusen. Identifiers: Orphanet 251279, MedGen C1970236, MONDO:0012605, OMIM 611040.

Submission:

Labcorp Genetics (formerly Invitae), Labcorp
Classification: Uncertain significance for Isolated microphthalmia 5. Last evaluated: 2022-05-06. Review status: criteria provided, single submitter. Criteria: Invitae Variant Classification Sherloc (09022015). Collection method: clinical testing. Allele origin: germline.
Comment: In summary, the available evidence is currently insufficient to determine the role of this variant in disease. Therefore, it has been classified as a Variant of Uncertain Significance. Algorithms developed to predict the effect of missense changes on protein structure and function (SIFT, PolyPhen-2, Align-GVGD) all suggest that this variant is likely to be disruptive. This variant has not been reported in the literature in individuals affected with MFRP-related conditions. This variant is not present in population databases (gnomAD no frequency). This sequence change replaces glycine, which is neutral and non-polar, with alanine, which is neutral and non-polar, at codon 281 of the MFRP protein (p.Gly281Ala).

NM_031433.4(MFRP):c.842G>C (p.Gly281Ala)

Genes: C1QTNF5 (C1q and TNF related 5; minus strand), MFRP (membrane frizzled-related protein; minus strand). Cytogenetic location: 11q23.3.
Variant type: single nucleotide variant.
Coding change: c.842G>C on transcript NM_031433.4 (MANE Select); coding-DNA position 842, G replaced by C.
Protein change: p.Gly281Ala; replaces glycine 281 with alanine.
Molecular consequence: missense variant. On other transcripts: 5 prime UTR variant (1).
Genome position (GRCh38, 1-based): chr11:119,344,688, C>G on the plus strand (G>C on the coding strand, the complement: MFRP is on the minus strand). VCF-style: chr11-119344688-C-G. GRCh37 (hg19) VCF-style: chr11-119215398-C-G.
Other names: c.-1795G>C (NM_015645.5); short protein forms G281A.
Identifiers: ClinVar variation 2134560 (VCV002134560.4), dbSNP rs2497089130, ClinGen allele CA382976643.